The following is an entry in ClinVar:

NM_001754.5(RUNX1):c.177C>T (p.Gly59=)

Gene: RUNX1 (RUNX family transcription factor 1; minus strand). Cytogenetic location: 21q22.12.
Variant type: single nucleotide variant.
Coding change: c.177C>T on transcript NM_001754.5 (MANE Select); coding-DNA position 177, C replaced by T.
Protein change: p.Gly59=; no amino-acid change (glycine 59 retained).
Molecular consequence: synonymous variant.
Genome position (GRCh38, 1-based): chr21:34,887,017, G>A on the plus strand (C>T on the coding strand, the complement: RUNX1 is on the minus strand). VCF-style: chr21-34887017-G-A. GRCh37 (hg19) VCF-style: chr21-36259314-G-A.
Other names: NM_001754.5(RUNX1):c.177C>T; p.Gly59=; c.96C>T, p.Gly32= (NM_001001890.3, NM_001122607.2).
Identifiers: ClinVar variation 739793 (VCV000739793.10), dbSNP rs1001736939, ClinGen allele CA320642905.

ClinVar aggregate classification (germline): Likely benign. Review status: reviewed by expert panel (3 of 4 stars). 3 submissions from 3 submitters: Likely benign (1). 2 of the submissions do not count toward it. Last evaluated 2022-07-05.

Conditions:
Hereditary thrombocytopenia and hematological cancer predisposition syndrome associated with RUNX1. Also called: RUNX1 Familial Platelet Disorder with Associated Myeloid Malignancies; Familial Platelet Disorder with Propensity to Acute Myelogenous Leukemia; PLATELET DISORDER, ASPIRIN-LIKE; Familial thrombocytopenia with propensity to acute myelogenous leukemia. Identifiers: Orphanet 71290, MedGen C1832388, MeSH C563324, MONDO:0100083, OMIM 601399.
Hereditary thrombocytopenia and hematologic cancer predisposition syndrome. Identifiers: Orphanet 71290, MedGen CN281654, MONDO:0011071.
Inborn genetic diseases. Identifiers: MedGen C0950123, MeSH D030342.

Allele frequency attached by ClinVar (database versions not stated): gnomAD exomes below 0.00001; gnomAD 0.00001; TOPMed 0.00001.
gnomAD v4.1: 6 of 1,601,944 alleles (0.00037%); highest among the groups gnomAD compares: Non-Finnish European, 0.00051%; no homozygotes.

Submissions (3):

ClinGen Myeloid Malignancy Variant Curation Expert Panel
Classification: Likely benign for Hereditary thrombocytopenia and hematologic cancer predisposition syndrome. Last evaluated: 2022-07-05. Review status: reviewed by expert panel. Criteria: ClinGen MyeloMalig ACMG Specifications v2. Collection method: curation. Allele origin: germline. Inheritance: Autosomal dominant inheritance.
Comment: NM_001754.5(RUNX1):c.177C>T (p.Gly59=) is a synonymous variant. Not REVEL score because synonymous variant and SpliceAI is ≤0.20 (0.00) meeting BP4. Evolutionary conservation prediction algorithms predict the site as not being conserved (phyloP 1.22672 < 2.0)meeting BP7. In summary, this variant meets criteria to be classified as likely benign. ACMG/AMP criteria applied, as specified by the Myeloid Malignancy Variant Curation Expert Panel for RUNX1: BP4 and BP7.

Labcorp Genetics (formerly Invitae), Labcorp
Classification: Likely benign for Hereditary thrombocytopenia and hematological cancer predisposition syndrome associated with RUNX1. Last evaluated: 2025-11-17. Review status: criteria provided, single submitter. Criteria: Invitae Variant Classification Sherloc (09022015). Collection method: clinical testing. Allele origin: germline. Not counted in ClinVar's aggregate classification.

Ambry Genetics
Classification: Likely benign for Inborn genetic diseases. Last evaluated: 2024-12-09. Review status: criteria provided, single submitter. Criteria: Ambry Variant Classification Scheme 2023. Collection method: clinical testing. Allele origin: germline. Not counted in ClinVar's aggregate classification.